The following is an entry in ClinVar:

ClinVar aggregate classification (germline): Conflicting classifications of pathogenicity. Review status: criteria provided, conflicting classifications (1 of 4 stars). 2 submissions from 2 submitters: Uncertain significance (1); Benign (1). Last evaluated 2026-01-07.

Conditions:
Gorlin syndrome. Also called: Nevoid Basal Cell Carcinoma Syndrome; Basal cell nevus syndrome. Identifiers: Orphanet 377, MedGen C0004779, MONDO:0007187.
Hereditary cancer-predisposing syndrome. Also called: Neoplastic Syndromes, Hereditary; Hereditary Cancer Syndrome; Hereditary neoplastic syndrome; Tumor predisposition. Identifiers: Orphanet 140162, MedGen C0027672, MeSH D009386, MONDO:0015356.

Allele frequency attached by ClinVar (database versions not stated): gnomAD exomes below 0.00001; ExAC 0.00001; gnomAD 0.00002; ESP Exome Variant Server 0.00008.
gnomAD v4.1: 7 of 1,613,118 alleles (0.00043%); highest among the groups gnomAD compares: African/African-American, 0.0013%; no homozygotes.

Submissions (2):

Labcorp Genetics (formerly Invitae), Labcorp
Classification: Benign for Gorlin syndrome. Last evaluated: 2026-01-07. Review status: criteria provided, single submitter. Criteria: Invitae Variant Classification Sherloc (09022015). Collection method: clinical testing. Allele origin: germline.

Ambry Genetics
Classification: Uncertain significance for Hereditary cancer-predisposing syndrome. Last evaluated: 2024-05-11. Review status: criteria provided, single submitter. Criteria: Ambry Variant Classification Scheme 2023. Collection method: clinical testing. Allele origin: germline.
Comment: The p.Q242E variant (also known as c.724C>G), located in coding exon 5 of the PTCH1 gene, results from a C to G substitution at nucleotide position 724. The glutamine at codon 242 is replaced by glutamic acid, an amino acid with highly similar properties. This amino acid position is conserved. In addition, the in silico prediction for this alteration is inconclusive. Since supporting evidence is limited at this time, the clinical significance of this alteration remains unclear.

NM_000264.5(PTCH1):c.724C>G (p.Gln242Glu)

Gene: PTCH1 (patched 1; minus strand). Cytogenetic location: 9q22.32.
Variant type: single nucleotide variant.
Coding change: c.724C>G on transcript NM_000264.5 (MANE Select); coding-DNA position 724, C replaced by G.
Protein change: p.Gln242Glu; replaces glutamine 242 with glutamic acid.
Molecular consequence: missense variant. On other transcripts: non-coding transcript variant (1).
Genome position (GRCh38, 1-based): chr9:95,481,971, G>C on the plus strand (C>G on the coding strand, the complement: PTCH1 is on the minus strand). VCF-style: chr9-95481971-G-C. GRCh37 (hg19) VCF-style: chr9-98244253-G-C.
Other names: c.526C>G, p.Gln176Glu (NM_001083602.3, NM_001354919.2); c.721C>G, p.Gln241Glu (NM_001083603.3); c.271C>G, p.Gln91Glu (NM_001083604.3, NM_001083605.3, NM_001083606.3 and 1 more transcripts); c.724C>G, p.Gln242Glu (NM_001354918.2); short protein forms Q241E, Q91E, Q242E, Q176E.
Identifiers: ClinVar variation 849538 (VCV000849538.11), dbSNP rs376353501, ClinGen allele CA5138871.